The following is an entry in ClinVar:

NM_005529.7(HSPG2):c.9033_9034del (p.Pro3011_Ser3012insTer)

Gene: HSPG2 (heparan sulfate proteoglycan 2; minus strand). Cytogenetic location: 1p36.12.
Variant type: Deletion.
Coding change: c.9033_9034del on transcript NM_005529.7 (MANE Select); coding-DNA positions 9033 to 9034, 2 bases deleted (CA; older notation c.9033_9034delCA).
Protein change: p.Pro3011_Ser3012insTer.
Molecular consequence: frameshift variant.
Genome position (GRCh38, 1-based): chr1:21,842,257-21,842,258, TG deleted on the plus strand (CA on the coding strand, the reverse complement: HSPG2 is on the minus strand). VCF-style (leftmost placement, unchanged base first): chr1-21842256-CTG-C. GRCh37 (hg19) VCF-style: chr1-22168749-CTG-C.
Other names: c.9033_9034delCA (NM_005529.6); c.9036_9037del, p.Pro3012_Ser3013insTer (NM_001291860.2).
Identifiers: ClinVar variation 1323078 (VCV001323078.8), dbSNP rs1318029350, ClinGen allele CA731547771.

ClinVar aggregate classification (germline): Pathogenic/Likely pathogenic. Review status: criteria provided, multiple submitters, no conflicts (2 of 4 stars). 4 submissions from 4 submitters: Pathogenic (2); Likely pathogenic (1). 1 of the submissions does not count toward it. Last evaluated 2025-03-07.

Conditions:
Schwartz-Jampel syndrome type 1 (SJS1). Also called: MYOTONIC MYOPATHY, DWARFISM, CHONDRODYSTROPHY, AND OCULAR AND FACIAL ABNORMALITIES; CHONDRODYSTROPHIC MYOTONIA. Identifiers: MedGen C4551479, MONDO:0100435, OMIM 255800.
Lethal Kniest-like syndrome (DDSH). Also called: Dyssegmental Dysplasia. Identifiers: Orphanet 1865, MedGen C1857100, MONDO:0009140, OMIM 224410.
HSPG2-related disorder. Also called: HSPG2-related disorders; HSPG2-related condition.

Allele frequency attached by ClinVar (database versions not stated): gnomAD exomes below 0.00001; gnomAD 0.00003; TOPMed 0.00003.

Submissions (4):

Labcorp Genetics (formerly Invitae), Labcorp
Classification: Pathogenic. Last evaluated: 2025-03-07. Review status: criteria provided, single submitter. Criteria: Invitae Variant Classification Sherloc (09022015). Collection method: clinical testing. Allele origin: germline.
Comment: This sequence change creates a premature translational stop signal (p.Ser3012*) in the HSPG2 gene. It is expected to result in an absent or disrupted protein product. Loss-of-function variants in HSPG2 are known to be pathogenic (PMID: 11279527, 16927315, 20542149, 23836246). This variant is not present in population databases (gnomAD no frequency). This variant has not been reported in the literature in individuals affected with HSPG2-related conditions. ClinVar contains an entry for this variant (Variation ID: 1323078). For these reasons, this variant has been classified as Pathogenic.

Fulgent Genetics
Classification: Likely pathogenic for Lethal Kniest-like syndrome; Schwartz-Jampel syndrome type 1. Last evaluated: 2024-01-22. Review status: criteria provided, single submitter. Criteria: ACMG Guidelines, 2015. Collection method: clinical testing. Allele origin: germline.

Revvity Omics, Revvity
Classification: Pathogenic. Last evaluated: 2019-11-08. Review status: criteria provided, single submitter. Criteria: ACMG Guidelines, 2015. Collection method: clinical testing. Allele origin: germline.

PreventionGenetics, part of Exact Sciences
Classification: Likely pathogenic for HSPG2-related condition. Last evaluated: 2024-03-27. Review status: no assertion criteria provided. Collection method: clinical testing. Allele origin: germline. Not counted in ClinVar's aggregate classification.
Comment: The HSPG2 c.9033_9034delCA variant is predicted to result in premature protein termination (p.Ser3012*). This variant has not been reported in the literature or in a large population database, indicating this variant is rare. Nonsense variants in HSPG2 are expected to be pathogenic. This variant is interpreted as likely pathogenic.

Literature cited by the submitters: PubMed 11279527 (cited by Labcorp Genetics (formerly Invitae), Labcorp); PubMed 16927315 (cited by Labcorp Genetics (formerly Invitae), Labcorp); PubMed 20542149 (cited by Labcorp Genetics (formerly Invitae), Labcorp); PubMed 23836246 (cited by Labcorp Genetics (formerly Invitae), Labcorp).